The following is an entry in ClinVar:

ClinVar aggregate classification (germline): Uncertain significance (1 of 4 stars; one submission).

Submission:

Labcorp Genetics (formerly Invitae), Labcorp
Classification: Uncertain significance. Last evaluated: 2022-01-04. Review status: criteria provided, single submitter. Criteria: Invitae Variant Classification Sherloc (09022015). Collection method: clinical testing. Allele origin: germline.
Comment: This sequence change replaces glycine, which is neutral and non-polar, with alanine, which is neutral and non-polar, at codon 98 of the TRAF3IP1 protein (p.Gly98Ala). This variant is not present in population databases (gnomAD no frequency). This variant has not been reported in the literature in individuals affected with TRAF3IP1-related conditions. Algorithms developed to predict the effect of missense changes on protein structure and function (SIFT, PolyPhen-2, Align-GVGD) all suggest that this variant is likely to be disruptive. In summary, the available evidence is currently insufficient to determine the role of this variant in disease. Therefore, it has been classified as a Variant of Uncertain Significance.

NM_015650.4(TRAF3IP1):c.293G>C (p.Gly98Ala)

Gene: TRAF3IP1 (TRAF3 interacting protein 1; plus strand). Cytogenetic location: 2q37.3.
Variant type: single nucleotide variant.
Coding change: c.293G>C on transcript NM_015650.4 (MANE Select); coding-DNA position 293, G replaced by C.
Protein change: p.Gly98Ala; replaces glycine 98 with alanine.
Molecular consequence: missense variant.
Genome position (GRCh38, 1-based): chr2:238,325,909, G>C. VCF-style: chr2-238325909-G-C. GRCh37 (hg19) VCF-style: chr2-239234550-G-C.
Other names: c.293G>C, p.Gly98Ala (NM_001139490.1); short protein forms G98A.
Identifiers: ClinVar variation 2073537 (VCV002073537.4), dbSNP rs759480850, ClinGen allele CA67977849.
Genomic context (GRCh38, chr2:238,325,909, plus strand): 5'-ACGTGGTTGTAATGGTGTCGGGAGAGCCACTGTTGGCCAAACCAGCCCGAATCGTGGCGG[G>C]GCATGAGCCTGAAAGAACAAACGAGCTGCTCCAGATAATTGGAAAATGCTGTCTCAACAA-3'
Protein context (NP_056465.2, residues 88-108): LLAKPARIVA[Gly98Ala]HEPERTNELL